The following is an entry in ClinVar:

ClinVar aggregate classification (germline): Likely benign (1 of 4 stars; one submission).

Conditions:
DOCK11-related disorder. Also called: DOCK11-related condition.

gnomAD v4.1: 5 of 1,208,305 alleles (0.00041%); highest among the groups gnomAD compares: Non-Finnish European, 0.00056%; no homozygotes.

Submission:

PreventionGenetics, part of Exact Sciences
Classification: Likely benign for DOCK11-related condition. Last evaluated: 2025-02-03. Review status: criteria provided, single submitter. Criteria: ACMG Guidelines, 2015. Collection method: clinical testing. Allele origin: germline.
Comment: This variant is classified as likely benign based on ACMG/AMP sequence variant interpretation guidelines (Richards et al. 2015 PMID: 25741868, with internal and published modifications).

NM_144658.4(DOCK11):c.220-6T>G

Gene: DOCK11 (dedicator of cytokinesis 11; plus strand). Cytogenetic location: Xq24.
Variant type: single nucleotide variant.
Coding change: c.220-6T>G on transcript NM_144658.4 (MANE Select); 6 bases into the intron before coding-DNA position 220, T replaced by G.
Molecular consequence: intron variant.
Genome position (GRCh38, 1-based): chrX:118,542,920, T>G. VCF-style: chrX-118542920-T-G. GRCh37 (hg19) VCF-style: chrX-117676883-T-G.
Identifiers: ClinVar variation 4977664 (VCV004977664.1).